The following is an entry in ClinVar:

ClinVar aggregate classification (germline): Conflicting classifications of pathogenicity. Review status: criteria provided, conflicting classifications (1 of 4 stars). 2 submissions from 2 submitters: Uncertain significance (1); Likely benign (1). Last evaluated 2024-11-13.

Conditions:
Developmental and epileptic encephalopathy, 31A. Also called: Epileptic encephalopathy, early infantile, 31; Developmental and epileptic encephalopathy, 31. Identifiers: Orphanet 2382, MedGen C4225357, MONDO:0014598, OMIM 616346.

Allele frequency attached by ClinVar (database versions not stated): TOPMed 0.00001; gnomAD exomes 0.00002.

Submissions (2):

Labcorp Genetics (formerly Invitae), Labcorp
Classification: Uncertain significance for Developmental and epileptic encephalopathy, 31A. Last evaluated: 2024-11-13. Review status: criteria provided, single submitter. Criteria: Invitae Variant Classification Sherloc (09022015). Collection method: clinical testing. Allele origin: germline.
Comment: This sequence change replaces alanine, which is neutral and non-polar, with valine, which is neutral and non-polar, at codon 719 of the DNM1 protein (p.Ala719Val). This variant is not present in population databases (gnomAD no frequency). This variant has not been reported in the literature in individuals affected with DNM1-related conditions. ClinVar contains an entry for this variant (Variation ID: 3254759). Invitae Evidence Modeling of protein sequence and biophysical properties (such as structural, functional, and spatial information, amino acid conservation, physicochemical variation, residue mobility, and thermodynamic stability) indicates that this missense variant is not expected to disrupt DNM1 protein function with a negative predictive value of 80%. In summary, the available evidence is currently insufficient to determine the role of this variant in disease. Therefore, it has been classified as a Variant of Uncertain Significance.

Victorian Clinical Genetics Services, Murdoch Childrens Research Institute
Classification: Likely benign for Developmental and epileptic encephalopathy, 31A. Last evaluated: 2024-09-20. Review status: criteria provided, single submitter. Criteria: ACMG Guidelines, 2015. Collection method: clinical testing. Allele origin: germline. Inheritance: Autosomal dominant inheritance. Affected: yes.
Comment: Based on the classification scheme VCGS_Germline_v1.3.4, this variant is classified as Likely benign. Following criteria are met: 0103 - Dominant negative and loss of function are known mechanisms of disease in this gene and are associated with developmental and epileptic encephalopathy 31 (MIM#616346). Missense variants in the G-domain have a dominant negative mechanism, whereas missense variants in middle domain and PH domain are loss of function (PMID: 27066543, PMID: 28667181, PMID: 29397573). (I) 0107 - This gene is associated with autosomal dominant disease. (I) 0200 - Variant is predicted to result in a missense amino acid change from alanine to valine. (I) 0251 - This variant is heterozygous. (I) 0301 - Variant is absent from gnomAD (both v2 and v3). (SP) 0309 - An alternative amino acid change at the same position has been observed in gnomAD (v2) (1 heterozygote, 0 homozygotes). (I) 0502 - Missense variant with conflicting in silico predictions and uninformative conservation. (I) 0600 - Variant is located in the annotated GED domain (DECIPHER). (I) 0708 - Other missense variants comparable to the one identified in this case have conflicting previous evidence for pathogenicity. An alternative change (p.(Ala719Gly)) has been reported as benign with limited additional information, and another change (p.(Ala719Ser)) was described as a VUS (ClinVar). (I) 0807 - This variant has no previous evidence of pathogenicity. (I) 0904 - Non-segregation of this variant with the phenotype under investigation has been clearly demonstrated. (SB) 1007 - No published functional evidence has been identified for this variant. (I) 1208 - Inheritance information for this variant is not currently available in this individual. (I) Legend: (SP) - Supporting pathogenic, (I) - Information, (SB) - Supporting benign

Literature cited by the submitters: PubMed 27066543 (cited by Victorian Clinical Genetics Services, Murdoch Childrens Research Institute); PubMed 28667181 (cited by Victorian Clinical Genetics Services, Murdoch Childrens Research Institute); PubMed 29397573 (cited by Victorian Clinical Genetics Services, Murdoch Childrens Research Institute).

NM_004408.4(DNM1):c.2156C>T (p.Ala719Val)

Gene: DNM1 (dynamin 1; plus strand). Cytogenetic location: 9q34.11.
Variant type: single nucleotide variant.
Coding change: c.2156C>T on transcript NM_004408.4 (MANE Select); coding-DNA position 2156, C replaced by T.
Protein change: p.Ala719Val; replaces alanine 719 with valine.
Molecular consequence: missense variant.
Genome position (GRCh38, 1-based): chr9:128,250,194, C>T. VCF-style: chr9-128250194-C-T. GRCh37 (hg19) VCF-style: chr9-131012473-C-T.
Other names: c.2156C>T, p.Ala719Val (NM_001005336.3, NM_001288737.2, NM_001288738.2 and 2 more transcripts); c.2156C>T (NM_004408.3); short protein forms A719V.
Identifiers: ClinVar variation 3254759 (VCV003254759.4), dbSNP rs1432815882.